The following is an entry in ClinVar:

NM_015378.4(VPS13D):c.9091C>T (p.Arg3031Trp)

Gene: VPS13D (vacuolar protein sorting 13 homolog D; plus strand). Cytogenetic location: 1p36.22.
Variant type: single nucleotide variant.
Coding change: c.9091C>T on transcript NM_015378.4 (MANE Select); coding-DNA position 9091, C replaced by T.
Protein change: p.Arg3031Trp; replaces arginine 3031 with tryptophan.
Molecular consequence: missense variant.
Genome position (GRCh38, 1-based): chr1:12,348,844, C>T. VCF-style: chr1-12348844-C-T. GRCh37 (hg19) VCF-style: chr1-12408901-C-T.
Other names: c.9016C>T, p.Arg3006Trp (NM_018156.4); short protein forms R3006W, R3031W.
Identifiers: ClinVar variation 4708118 (VCV004708118.1).

ClinVar aggregate classification (germline): Uncertain significance (1 of 4 stars; one submission).

gnomAD v4.1: 3 of 1,614,130 alleles (0.00019%); highest among the groups gnomAD compares: African/African-American, 0.0013%; no homozygotes.

Submission:

Labcorp Genetics (formerly Invitae), Labcorp
Classification: Uncertain significance. Last evaluated: 2025-09-10. Review status: criteria provided, single submitter. Criteria: Invitae Variant Classification Sherloc (09022015). Collection method: clinical testing. Allele origin: germline.
Comment: This sequence change replaces arginine, which is basic and polar, with tryptophan, which is neutral and slightly polar, at codon 3031 of the VPS13D protein (p.Arg3031Trp). This variant is not present in population databases (gnomAD no frequency). This variant has not been reported in the literature in individuals affected with VPS13D-related conditions. Invitae Evidence Modeling of protein sequence and biophysical properties (such as structural, functional, and spatial information, amino acid conservation, physicochemical variation, residue mobility, and thermodynamic stability) indicates that this missense variant is expected to disrupt VPS13D protein function with a positive predictive value of 80%. In summary, the available evidence is currently insufficient to determine the role of this variant in disease. Therefore, it has been classified as a Variant of Uncertain Significance.